The following is an entry in ClinVar:

NM_001394062.1(MACF1):c.15224G>T (p.Gly5075Val)

Gene: MACF1 (microtubule actin crosslinking factor 1; plus strand). Cytogenetic location: 1p34.3.
Variant type: single nucleotide variant.
Coding change: c.15224G>T on transcript NM_001394062.1 (MANE Select); coding-DNA position 15224, G replaced by T.
Protein change: p.Gly5075Val; replaces glycine 5075 with valine.
Molecular consequence: missense variant.
Genome position (GRCh38, 1-based): chr1:39,388,066, G>T. VCF-style: chr1-39388066-G-T. GRCh37 (hg19) VCF-style: chr1-39853738-G-T.
Other names: c.9038G>T, p.Gly3013Val (NM_012090.5); short protein forms G3013V, G5075V.
Identifiers: ClinVar variation 2572666 (VCV002572666.2), dbSNP rs745989776, ClinGen allele CA782361.

ClinVar aggregate classification (germline): Uncertain significance (1 of 4 stars; one submission).

Allele frequency attached by ClinVar (database versions not stated): ExAC 0.00001.
gnomAD v4.1: 6 of 1,614,094 alleles (0.00037%); highest among the groups gnomAD compares: Admixed American, 0.0083%; no homozygotes.

Submission:

GeneDx
Classification: Uncertain significance. Last evaluated: 2025-11-15. Review status: criteria provided, single submitter. Criteria: GeneDx Variant Classification Process June 2021. Collection method: clinical testing. Allele origin: germline. Affected: yes.
Comment: In silico analysis supports that this missense variant has a deleterious effect on protein structure/function; Has not been previously published as pathogenic or benign to our knowledge